The following is an entry in ClinVar:

NM_020831.6(MRTFA):c.1054G>A (p.Ala352Thr)

Gene: MRTFA (myocardin related transcription factor A; minus strand). Cytogenetic location: 22q13.1.
Variant type: single nucleotide variant.
Coding change: c.1054G>A on transcript NM_020831.6 (MANE Select); coding-DNA position 1054, G replaced by A.
Protein change: p.Ala352Thr; replaces alanine 352 with threonine.
Molecular consequence: missense variant.
Genome position (GRCh38, 1-based): chr22:40,420,974, C>T on the plus strand (G>A on the coding strand, the complement: MRTFA is on the minus strand). VCF-style: chr22-40420974-C-T. GRCh37 (hg19) VCF-style: chr22-40816978-C-T.
Other names: c.754G>A, p.Ala252Thr (NM_001282660.2); c.904G>A, p.Ala302Thr (NM_001282661.3); c.1054G>A, p.Ala352Thr (NM_001282662.3); c.859G>A, p.Ala287Thr (NM_001318139.2); c.754G>A (NM_020831.3); short protein forms A252T, A287T, A302T, A352T.
Identifiers: ClinVar variation 1683125 (VCV001683125.8), dbSNP rs774181016, ClinGen allele CA10249807.

ClinVar aggregate classification (germline): Uncertain significance. Review status: criteria provided, multiple submitters, no conflicts (2 of 4 stars). 3 submissions from 3 submitters: Uncertain significance (3). Last evaluated 2025-08-27.

Allele frequency attached by ClinVar (database versions not stated): ExAC 0.00002; gnomAD exomes 0.00002 and 0.00003.
gnomAD v4.1: 15 of 1,610,226 alleles (0.00093%); highest among the groups gnomAD compares: Admixed American, 0.023%; no homozygotes.

Submissions (3):

Labcorp Genetics (formerly Invitae), Labcorp
Classification: Uncertain significance. Last evaluated: 2025-08-27. Review status: criteria provided, single submitter. Criteria: Invitae Variant Classification Sherloc (09022015). Collection method: clinical testing. Allele origin: germline.
Comment: This sequence change replaces alanine, which is neutral and non-polar, with threonine, which is neutral and polar, at codon 252 of the MKL1 protein (p.Ala252Thr). This variant is present in population databases (rs774181016, gnomAD 0.03%). This variant has not been reported in the literature in individuals affected with MKL1-related conditions. ClinVar contains an entry for this variant (Variation ID: 1683125). An algorithm developed to predict the effect of missense changes on protein structure and function (PolyPhen-2) suggests that this variant is likely to be tolerated. In summary, the available evidence is currently insufficient to determine the role of this variant in disease. Therefore, it has been classified as a Variant of Uncertain Significance.

Ambry Genetics
Classification: Uncertain significance. Last evaluated: 2024-07-09. Review status: criteria provided, single submitter. Criteria: Ambry Variant Classification Scheme 2023. Collection method: clinical testing. Allele origin: germline.

Blueprint Genetics
Classification: Uncertain significance. Last evaluated: 2020-12-08. Review status: criteria provided, single submitter. Criteria: ACMG Guidelines, 2015. Collection method: clinical testing. Allele origin: germline.